The following is an entry in ClinVar:

NM_000191.3(HMGCL):c.476del (p.Gln158_Ser159insTer)

Gene: HMGCL (3-hydroxy-3-methylglutaryl-CoA lyase; minus strand). Cytogenetic location: 1p36.11.
Variant type: Deletion.
Coding change: c.476del on transcript NM_000191.3 (MANE Select); coding-DNA position 476, one base deleted (C; older notation c.476delC).
Protein change: p.Gln158_Ser159insTer.
Molecular consequence: nonsense. On other transcripts: intron variant (1).
Genome position (GRCh38, 1-based): chr1:23,814,211, G deleted on the plus strand (C on the coding strand, the reverse complement: HMGCL is on the minus strand). VCF-style (leftmost placement, unchanged base first): chr1-23814210-TG-T. GRCh37 (hg19) VCF-style: chr1-24140700-TG-T.
Other names: c.348+2464del (NM_001166059.2).
Identifiers: ClinVar variation 4691787 (VCV004691787.1).
Genomic context (GRCh38, chr1:23,814,210, plus strand): 5'-AACGGTACAGAGGAAAGGATACCAATGTGCTCTGACTCACCCCCGCACAGAAATATTGGC[TG>T]ACTGCGCTGCCTTCAGGATTGCGTCAAACCTCTGAAAACTCTCCTCTATGGAACAATTGA-3'

ClinVar aggregate classification (germline): Pathogenic (1 of 4 stars; one submission).

Conditions:
Deficiency of hydroxymethylglutaryl-CoA lyase (HMGCLD). Also called: HMGCL DEFICIENCY; HYDROXYMETHYLGLUTARIC ACIDURIA; HMG-CoA LYASE DEFICIENCY; Defect in leucine metabolism; 3-hydroxy-3-methylglutaric aciduria. Identifiers: Orphanet 20, MedGen C1533587, MONDO:0009520, OMIM 246450.

Submission:

Labcorp Genetics (formerly Invitae), Labcorp
Classification: Pathogenic for Deficiency of hydroxymethylglutaryl-CoA lyase. Last evaluated: 2025-04-19. Review status: criteria provided, single submitter. Criteria: Invitae Variant Classification Sherloc (09022015). Collection method: clinical testing. Allele origin: germline.
Comment: This sequence change creates a premature translational stop signal (p.Ser159*) in the HMGCL gene. It is expected to result in an absent or disrupted protein product. Loss-of-function variants in HMGCL are known to be pathogenic (PMID: 9817922, 17692550, 23465862). This variant is not present in population databases (gnomAD no frequency). This variant has not been reported in the literature in individuals affected with HMGCL-related conditions. Algorithms developed to predict the effect of sequence changes on RNA splicing suggest that this variant may disrupt the consensus splice site. For these reasons, this variant has been classified as Pathogenic.

Literature cited by the submitters: PubMed 9817922; PubMed 17692550; PubMed 23465862.